The following is an entry in ClinVar:

NM_001142800.2(EYS):c.-396G>C

Gene: EYS (eyes shut homolog; minus strand). Cytogenetic location: 6q12.
Variant type: single nucleotide variant.
Coding change: c.-396G>C on transcript NM_001142800.2 (MANE Select); 396 bases upstream of the start codon, G replaced by C.
Molecular consequence: 5 prime UTR variant.
Genome position (GRCh38, 1-based): chr6:65,639,841, C>G on the plus strand (G>C on the coding strand, the complement: EYS is on the minus strand). VCF-style: chr6-65639841-C-G. GRCh37 (hg19) VCF-style: chr6-66349734-C-G.
Other names: c.-396G>C (NM_001142801.2, NM_001292009.2).
Identifiers: ClinVar variation 1423920 (VCV001423920.3), dbSNP rs575689241, ClinGen allele CA140452332.

ClinVar aggregate classification (germline): Uncertain significance (1 of 4 stars; one submission).

Allele frequency attached by ClinVar (database versions not stated): gnomAD 0.00001 and 0.00002; TOPMed 0.00002; 1000 Genomes Project 30x 0.00016; 1000 Genomes Project 0.00020.
gnomAD v4.1: 3 of 152,182 alleles (0.002%); highest among the groups gnomAD compares: Admixed American, 0.02%; no homozygotes.

Submission:

Labcorp Genetics (formerly Invitae), Labcorp
Classification: Uncertain significance. Last evaluated: 2022-10-24. Review status: criteria provided, single submitter. Criteria: Invitae Variant Classification Sherloc (09022015). Collection method: clinical testing. Allele origin: germline.
Comment: This variant occurs in a non-coding region of the EYS gene. It does not change the encoded amino acid sequence of the EYS protein. This variant is not present in population databases (gnomAD no frequency). This variant has not been reported in the literature in individuals affected with EYS-related conditions. ClinVar contains an entry for this variant (Variation ID: 1423920). Experimental studies and prediction algorithms are not available or were not evaluated, and the functional significance of this variant is currently unknown. In summary, the available evidence is currently insufficient to determine the role of this variant in disease. Therefore, it has been classified as a Variant of Uncertain Significance.